The following is an entry in ClinVar:

ClinVar aggregate classification (germline): Conflicting classifications of pathogenicity. Review status: criteria provided, conflicting classifications (1 of 4 stars). 4 submissions from 4 submitters: Uncertain significance (3); Likely benign (1). Last evaluated 2026-03-10.

Allele frequency attached by ClinVar (database versions not stated): gnomAD 0.00011; 1000 Genomes Project 30x 0.00016; gnomAD exomes 0.00018 and 0.00046; 1000 Genomes Project 0.00020; ExAC 0.00072; TOPMed 0.00005; ESP Exome Variant Server 0.00008.
gnomAD v4.1: 317 of 1,614,120 alleles (0.02%); highest among the groups gnomAD compares: Non-Finnish European, 0.016%; 2 homozygotes.

Submissions (4):

GeneDx
Classification: Uncertain significance. Last evaluated: 2026-03-10. Review status: criteria provided, single submitter. Criteria: GeneDx Variant Classification Process June 2021. Collection method: clinical testing. Allele origin: germline.
Comment: In silico analysis suggests that this missense variant does not alter protein structure/function; This variant is associated with the following publications: (PMID: 31785789, 33057194, 35982159)

Blueprint Genetics
Classification: Uncertain significance. Last evaluated: 2024-09-24. Review status: criteria provided, single submitter. Criteria: ACMG Guidelines, 2015. Collection method: clinical testing. Allele origin: germline.

Labcorp Genetics (formerly Invitae), Labcorp
Classification: Likely benign. Last evaluated: 2024-02-17. Review status: criteria provided, single submitter. Criteria: Invitae Variant Classification Sherloc (09022015). Collection method: clinical testing. Allele origin: germline.

Laboratory for Molecular Medicine, Mass General Brigham Personalized Medicine
Classification: Uncertain significance. Last evaluated: 2015-07-31. Review status: criteria provided, single submitter. Criteria: LMM Criteria. Collection method: clinical testing. Allele origin: germline. Observed: 1 variant allele.
Comment: The p.Arg1549Gln variant in USH2A has not been previously reported in individual s with hearing loss or Usher syndrome, but has been identified in 0.12% (83/6669 6) of European chromosomes by the Exome Aggregation Consortium (ExAC; dbSNP rs190170807). Although this variant has been seen in the general population, its frequency is not high enough to rule out a pathogen ic role. Conservation and computational prediction tools suggest that the p.Arg 1549Gln variant may not impact the protein, though this information is not predi ctive enough to rule out pathogenicity. In summary, the clinical significance o f the p.Arg1549Gln variant is uncertain.

NM_206933.4(USH2A):c.4646G>A (p.Arg1549Gln)

Gene: USH2A (usherin; minus strand). Cytogenetic location: 1q41.
Variant type: single nucleotide variant.
Coding change: c.4646G>A on transcript NM_206933.4 (MANE Select); coding-DNA position 4646, G replaced by A.
Protein change: p.Arg1549Gln; replaces arginine 1549 with glutamine.
Molecular consequence: missense variant.
Genome position (GRCh38, 1-based): chr1:216,097,195, C>T on the plus strand (G>A on the coding strand, the complement: USH2A is on the minus strand). VCF-style: chr1-216097195-C-T. GRCh37 (hg19) VCF-style: chr1-216270537-C-T.
Other names: short protein forms R1549Q.
Identifiers: ClinVar variation 73561 (VCV000073561.15), dbSNP rs190170807, ClinGen allele CA1395658.